The following is an entry in ClinVar:

ClinVar aggregate classification (germline): Pathogenic/Likely pathogenic. Review status: criteria provided, multiple submitters, no conflicts (2 of 4 stars). 10 submissions from 9 submitters: Pathogenic (4); Likely pathogenic (3). 3 of the submissions do not count toward it. Last evaluated 2025-07-17.

Conditions:
Glycogen storage disease, type IV (GSD4). Also called: AMYLOPECTINOSIS; ANDERSEN DISEASE; BRANCHER DEFICIENCY; CIRRHOSIS, FAMILIAL, WITH DEPOSITION OF ABNORMAL GLYCOGEN; Glycogen storage disease due to glycogen branching enzyme deficiency; GBE1 DEFICIENCY. Identifiers: Orphanet 367, MedGen C0017923, MONDO:0009292, OMIM 232500.
Glycogen storage disease IV, classic hepatic. Also called: GSD IV, CLASSIC HEPATIC. Identifiers: MedGen C1856301.
GBE1-related disorder. Also called: GBE1-related disorders; GBE1-related condition. Identifiers: MedGen CN239402.
Adult polyglucosan body neuropathy. Identifiers: MedGen C4017118.
Glycogen storage disease IV, combined hepatic and myopathic. Identifiers: MedGen C4017116.

Allele frequency attached by ClinVar (database versions not stated): gnomAD exomes 0.00001 and 0.00002; ExAC 0.00003; gnomAD 0.00003.
gnomAD v4.1: 11 of 1,608,036 alleles (0.00068%); highest among the groups gnomAD compares: African/African-American, 0.0013%; no homozygotes.

Submissions (10):

3billion
Classification: Likely pathogenic for Glycogen storage disease, type IV. Last evaluated: 2025-07-17. Review status: criteria provided, single submitter. Criteria: ACMG Guidelines, 2015. Collection method: clinical testing. Allele origin: germline. Affected: yes.
Comment: The variant is observed at an extremely low frequency in the gnomAD v4.1.0 dataset (total allele frequency: <0.001%). Predicted Consequence/Location: Missense variant. The majority of the known disease-causing variants of this gene are variants expected to result in premature termination of the protein. In silico tool predictions suggest damaging effect of the variant on gene or gene product [REVEL: 0.91 (>=0.6, sensitivity 0.68 and specificity 0.92); 3Cnet: 0.99 (> 0.75, sensitivity 0.96 and precision 0.92)]. The same nucleotide change resulting in the same amino acid change has been previously reported as pathogenic/likely pathogenic with strong evidence (ClinVar ID: VCV000002782 /PMID: 10545044). A different missense change at the same codon (p.Arg524Gly) has been reported to be associated with GBE1-related disorder (ClinVar ID: VCV000456517). Therefore, this variant is classified as Likely pathogenic according to the recommendation of ACMG/AMP guideline.

Natera, Inc.
Classification: Likely pathogenic for Glycogen storage disease type IV. Last evaluated: 2024-05-26. Review status: criteria provided, single submitter. Criteria: Natera Variant Classification Schema (03/2026). Collection method: clinical testing. Allele origin: germline.
Comment: The c.1571G>A variant in GBE1 is a missense variant predicted to cause substitution of arginine to glutamine at amino acid 524. This variant is rare in the general population with a frequency below the threshold expected for the associated phenotype(s). This variant has been observed in one or more individuals affected with the associated recessive disease, as either homozygous or compound heterozygous with a second variant (PMID: 20479904, 15452297, 22305237, 37273706). Computational prediction algorithms indicate this variant is likely to affect gene or protein function. Given the available evidence, this variant is classified as Likely Pathogenic.

Baylor Genetics
Classification: Pathogenic for Glycogen storage disease, type IV. Last evaluated: 2024-01-29. Review status: criteria provided, single submitter. Criteria: ACMG Guidelines, 2015. Collection method: clinical testing. Allele origin: unknown.

Labcorp Genetics (formerly Invitae), Labcorp
Classification: Pathogenic for Glycogen storage disease, type IV; Glycogen storage disease IV, classic hepatic. Last evaluated: 2024-01-02. Review status: criteria provided, single submitter. Criteria: Invitae Variant Classification Sherloc (09022015). Collection method: clinical testing. Allele origin: germline.
Comment: This sequence change replaces arginine, which is basic and polar, with glutamine, which is neutral and polar, at codon 524 of the GBE1 protein (p.Arg524Gln). This variant is present in population databases (rs80338673, gnomAD 0.007%). This missense change has been observed in individual(s) with glycogen storage disease IV (PMID: 10545044, 10762170, 12874416, 15452297, 20479904). In at least one individual the data is consistent with being in trans (on the opposite chromosome) from a pathogenic variant. ClinVar contains an entry for this variant (Variation ID: 2782). Advanced modeling of protein sequence and biophysical properties (such as structural, functional, and spatial information, amino acid conservation, physicochemical variation, residue mobility, and thermodynamic stability) performed at Invitae indicates that this missense variant is expected to disrupt GBE1 protein function with a positive predictive value of 95%. For these reasons, this variant has been classified as Pathogenic.

Women's Health and Genetics/Laboratory Corporation of America, LabCorp
Classification: Pathogenic for Glycogen storage disease, type IV. Last evaluated: 2023-07-31. Review status: criteria provided, single submitter. Criteria: LabCorp Variant Classification Summary - May 2015. Collection method: clinical testing. Allele origin: germline.
Comment: Variant summary: GBE1 c.1571G>A (p.Arg524Gln) results in a conservative amino acid change to a highly conserved residue (HGMD) located in the Glycosyl hydrolase, family 13, catalytic domain (IPR006047) of the encoded protein sequence. Four of five in-silico tools predict a damaging effect of the variant on protein function. The variant allele was found at a frequency of 1.6e-05 in 243710 control chromosomes (gnomAD). c.1571G>A has been reported in the literature in multiple individuals affected with Glycogen Storage Disease, Type IV (Bruno_2004, Ziemssen_2000, Ban_2009, Derks_2021, Stranneheim_2021, Sindern_2003, Westra_2019), and some were reported as compound heterozygous with other (likely) pathogenic variants. These data indicate that the variant is very likely to be associated with disease. The following publications have been ascertained in the context of this evaluation (PMID: 15452297, 10762170, 20479904, 33332610, 33726816, 12874416, 31127727). Two submitters have cited clinical-significance assessments for this variant to ClinVar after 2014, and classified the variant as pathogenic/likely pathogenic. Based on the evidence outlined above, the variant was classified as pathogenic.

Blueprint Genetics
Classification: Pathogenic for GBE1-related disorders. Last evaluated: 2022-12-13. Review status: criteria provided, single submitter. Criteria: ACMG Guidelines, 2015. Collection method: clinical testing. Allele origin: germline. Affected: yes. Observed: 5 variant alleles.

Broad Center for Mendelian Genomics, Broad Institute of MIT and Harvard
Classification: Likely pathogenic for Glycogen storage disease, type IV. Last evaluated: 2022-01-27. Review status: criteria provided, single submitter. Criteria: ACMG Guidelines, 2015. Collection method: curation. Allele origin: germline. Inheritance: Autosomal recessive inheritance.
Comment: The p.Arg524Gln variant in GBE1 has been reported in 6 individuals with GBE1-related disorders (PMID: 10762170, 15452297, 20479904, 33332610, 33726816, Pan 2017) and has been identified in 0.004% (1/23800) of African/African American chromosomes by the Genome Aggregation Database (gnomAD; dbSNP ID: rs80338673). Although this variant has been seen in the general population in a heterozygous state, its frequency is low enough to be consistent with a recessive carrier frequency. Of the 6 affected individuals, 1 was a compound heterozygotes that carried a reported likely pathogenic variants in trans, 1 was a homozygote, and 1 was a compound heterozygote that carried a reported pathogenic variant with unknown phase, which increases the likelihood that the p.Arg524Gln variant is pathogenic (VariationID: 2789, 208584; PMID: 15452297, 33726816). This variant has also been reported in ClinVar (Variation ID#: 2782) and has been interpreted as pathogenic by Invitae, OMIM, and GeneReviews. Computational prediction tools and conservation analyses suggest that this variant may impact the protein, though this information is not predictive enough to determine pathogenicity. In summary, although additional studies are required to fully establish its clinical significance, this variant is likely pathogenic for GBE1-related disorders. ACMG/AMP Criteria applied: PP3, PM3_strong, PM2_supporting (Richards 2015).

OMIM
Classification: Pathogenic for GLYCOGEN STORAGE DISEASE IV, COMBINED HEPATIC AND MYOPATHIC. Last evaluated: 2004-09-28. Review status: no assertion criteria provided. Collection method: literature only. Allele origin: germline. Not counted in ClinVar's aggregate classification.

OMIM
Classification: Pathogenic for ADULT POLYGLUCOSAN BODY NEUROPATHY. Last evaluated: 2004-09-28. Review status: no assertion criteria provided. Collection method: literature only. Allele origin: germline. Not counted in ClinVar's aggregate classification.

GeneReviews
No classification provided. Condition: Glycogen storage disease, type IV. Review status: no classification provided. Collection method: literature only. Allele origin: unknown. Not counted in ClinVar's aggregate classification.

Literature cited by the submitters: PubMed 10545044 (cited by 4 submitters); PubMed 20479904 (cited by 3 submitters); PubMed 15452297 (cited by 5 submitters); PubMed 22305237 (cited by Natera, Inc.); PubMed 37273706 (cited by Natera, Inc.); PubMed 10762170 (cited by 4 submitters); PubMed 12874416 (cited by Labcorp Genetics (formerly Invitae), Labcorp and Women's Health and Genetics/Laboratory Corporation of America, LabCorp); PubMed 31127727 (cited by Women's Health and Genetics/Laboratory Corporation of America, LabCorp); PubMed 33332610 (cited by Women's Health and Genetics/Laboratory Corporation of America, LabCorp); PubMed 33726816 (cited by Women's Health and Genetics/Laboratory Corporation of America, LabCorp); PubMed 20301758 (cited by GeneReviews); NCBI Bookshelf NBK5300 (cited by GeneReviews).

NM_000158.4(GBE1):c.1571G>A (p.Arg524Gln)

Gene: GBE1 (1,4-alpha-glucan branching enzyme 1; minus strand). Cytogenetic location: 3p12.2.
Variant type: single nucleotide variant.
Coding change: c.1571G>A on transcript NM_000158.4 (MANE Select); coding-DNA position 1571, G replaced by A.
Protein change: p.Arg524Gln; replaces arginine 524 with glutamine.
Molecular consequence: missense variant.
Genome position (GRCh38, 1-based): chr3:81,577,972, C>T on the plus strand (G>A on the coding strand, the complement: GBE1 is on the minus strand). VCF-style: chr3-81577972-C-T. GRCh37 (hg19) VCF-style: chr3-81627123-C-T.
Other names: NM_000158.4(GBE1):c.1571G>A; short protein forms R524Q.
Identifiers: ClinVar variation 2782 (VCV000002782.17), dbSNP rs80338673, ClinGen allele CA115753.